The following is an entry in ClinVar:

NM_000512.5(GALNS):c.*652A>G

Gene: GALNS (galactosamine (N-acetyl)-6-sulfatase; minus strand). Cytogenetic location: 16q24.3.
Variant type: single nucleotide variant.
Coding change: c.*652A>G on transcript NM_000512.5 (MANE Select); 652 bases downstream of the stop codon, A replaced by G.
Molecular consequence: 3 prime UTR variant.
Genome position (GRCh38, 1-based): chr16:88,813,787, T>C on the plus strand (A>G on the coding strand, the complement: GALNS is on the minus strand). VCF-style: chr16-88813787-T-C. GRCh37 (hg19) VCF-style: chr16-88880195-T-C.
Other names: NC_000016.9:g.88880195T>C; c.*652A>G (NM_001323543.2, NM_001323544.2).
Identifiers: ClinVar variation 321169 (VCV000321169.8), dbSNP rs1135366, ClinGen allele CA10649273.
Genomic context (GRCh38, chr16:88,813,787, plus strand): 5'-AGAAAAATCAAGCTGGGAATTAGGCAAACCTGCCTCCCGTTTTATTTCTAAATAACATAG[T>C]TACAATGATAAGAAGCTACACGCCTCCCTCATAATTAGCGTCCAGGGAAATTCCTTGTGG-3'

ClinVar aggregate classification (germline): Benign. Review status: criteria provided, multiple submitters, no conflicts (2 of 4 stars). 2 submissions from 2 submitters: Benign (2). Last evaluated 2018-01-12.

Conditions:
Mucopolysaccharidosis, MPS-IV-A (MPS4A). Also called: GALACTOSAMINE-6-SULFATASE DEFICIENCY; GALNS DEFICIENCY; MORQUIO A DISEASE; mucopolysaccharidosis type 4A; MPS IVA; Morquio syndrome A, mild. Identifiers: Orphanet 309297, Orphanet 582, MedGen C0086651, MONDO:0009659, OMIM 253000.

Allele frequency attached by ClinVar (database versions not stated): gnomAD exomes 0.20915; gnomAD 0.23189 and 0.23507; TOPMed 0.23841; 1000 Genomes Project 30x 0.27264; 1000 Genomes Project 0.28035.
gnomAD v4.1: 36,301 of 153,406 alleles (24%); highest among the groups gnomAD compares: East Asian, 53%; 4,751 homozygotes.

Submissions (5):

Illumina Laboratory Services, Illumina
Classification: Benign for Mucopolysaccharidosis, MPS-IV-A. Last evaluated: 2018-01-12. Review status: criteria provided, single submitter. Criteria: ICSL Variant Classification Criteria 13 December 2019. Collection method: clinical testing. Allele origin: germline.
Comment: This variant was observed in the ICSL laboratory as part of a predisposition screen in an ostensibly healthy population. It had not been previously curated by ICSL or reported in the Human Gene Mutation Database (HGMD: prior to June 1st, 2018), and was therefore a candidate for classification through an automated scoring system. Utilizing variant allele frequency, disease prevalence and penetrance estimates, and inheritance mode, an automated score was calculated to assess if this variant is too frequent to cause the disease. Based on the score and internal cut-off values, a variant classified as benign is not then subjected to further curation. The score for this variant resulted in a classification of benign for this disease.

Breakthrough Genomics
Classification: Benign. Review status: criteria provided, single submitter. Criteria: ACMG Guidelines, 2015. Collection method: not provided. Allele origin: germline. Inheritance: Autosomal recessive inheritance. Affected: yes.

Dr. Peter K. Rogan Lab, Western University
No classification provided (evidence only). Condition: Acute myeloid leukemia. Review status: no classification provided. Collection method: in vitro. Allele origin: not applicable. Functional consequence: retained intron. Not counted in ClinVar's aggregate classification.

Dr. Peter K. Rogan Lab, Western University
No classification provided (evidence only). Condition: Acute myeloid leukemia. Review status: no classification provided. Collection method: in vitro. Allele origin: not applicable. Functional consequence: retained intron. Not counted in ClinVar's aggregate classification.

Dr. Peter K. Rogan Lab, Western University
No classification provided (evidence only). Condition: Acute myeloid leukemia. Review status: no classification provided. Collection method: in vitro. Allele origin: not applicable. Functional consequence: retained intron. Not counted in ClinVar's aggregate classification.